The following is an entry in ClinVar:

ClinVar aggregate classification (germline): Uncertain significance (1 of 4 stars; one submission).

Conditions:
DYM-related disorder. Also called: DYM-related condition.

Allele frequency attached by ClinVar (database versions not stated): gnomAD exomes below 0.00001 and 0.00001; TOPMed below 0.00001; ExAC 0.00001.
gnomAD v4.1: 4 of 1,614,032 alleles (0.00025%); highest among the groups gnomAD compares: East Asian, 0.0089%; no homozygotes.

Submission:

PreventionGenetics, part of Exact Sciences
Classification: Uncertain significance for DYM-related condition. Last evaluated: 2026-08-21. Review status: criteria provided, single submitter. Criteria: ACMG Guidelines, 2015. Collection method: clinical testing. Allele origin: germline.
Comment: The DYM c.42T>G variant is predicted to result in the amino acid substitution p.Asn14Lys. To our knowledge, this variant has not been reported in the literature. This variant is reported in 0.0054% of alleles in individuals of East Asian descent in gnomAD. At this time, the clinical significance of this variant is uncertain due to the absence of conclusive functional and genetic evidence.

NM_001353214.3(DYM):c.42T>G (p.Asn14Lys)

Gene: DYM (dymeclin; minus strand). Cytogenetic location: 18q21.1.
Variant type: single nucleotide variant.
Coding change: c.42T>G on transcript NM_001353214.3 (MANE Select); coding-DNA position 42, T replaced by G.
Protein change: p.Asn14Lys; replaces asparagine 14 with lysine.
Molecular consequence: missense variant.
Genome position (GRCh38, 1-based): chr18:49,430,353, A>C on the plus strand (T>G on the coding strand, the complement: DYM is on the minus strand). VCF-style: chr18-49430353-A-C. GRCh37 (hg19) VCF-style: chr18-46956723-A-C.
Other names: c.42T>G, p.Asn14Lys (NM_001353210.3, NM_001353211.3, NM_001353212.3 and 21 more transcripts); short protein forms N14K.
Identifiers: ClinVar variation 326908 (VCV000326908.8), dbSNP rs768630165, ClinGen allele CA8958523.